The following is an entry in ClinVar:

NM_001009944.3(PKD1):c.7327G>A (p.Gly2443Arg)

Gene: PKD1 (polycystin 1, transient receptor potential channel interacting; minus strand). Cytogenetic location: 16p13.3.
Variant type: single nucleotide variant.
Coding change: c.7327G>A on transcript NM_001009944.3 (MANE Select); coding-DNA position 7327, G replaced by A.
Protein change: p.Gly2443Arg; replaces glycine 2443 with arginine.
Molecular consequence: missense variant.
Genome position (GRCh38, 1-based): chr16:2,106,560, C>T on the plus strand (G>A on the coding strand, the complement: PKD1 is on the minus strand). VCF-style: chr16-2106560-C-T. GRCh37 (hg19) VCF-style: chr16-2156561-C-T.
Other names: c.7327G>A, p.Gly2443Arg (NM_000296.4); short protein forms G2443R.
Identifiers: ClinVar variation 3579274 (VCV003579274.3).
Genomic context (GRCh38, chr16:2,106,560, plus strand): 5'-TGGAGGCGCAGCCCTCCTCCTCGCCAGAGCGGCCCAGCACCGTGAGCGTGAAGGTGTATC[C>T]CTCGCCGTCCCGCAGCACGCCCCGCCGCAGCACCAGTCGCATGCCTGCACTGCCCGTGGA-3'
Protein context (NP_001009944.3, residues 2433-2453): LRRGVLRDGE[Gly2443Arg]YTFTLTVLGR

ClinVar aggregate classification (germline): Uncertain significance. Review status: criteria provided, multiple submitters, no conflicts (2 of 4 stars). 2 submissions from 2 submitters: Uncertain significance (2). Last evaluated 2025-03-21.

Conditions:
Polycystic kidney disease, adult type (PKD1). Also called: Polycystic Kidney Disease 1, Autosomal Dominant; Polycystic kidney disease 1; Polycystic kidney disease 1, severe; POLYCYSTIC KIDNEY DISEASE 1 WITH OR WITHOUT POLYCYSTIC LIVER DISEASE; POLYCYSTIC KIDNEY DISEASE, ADULT, TYPE I; Polycystic Kidney, Autosomal Dominant. Identifiers: MedGen C3149841, MONDO:0008263, OMIM 173900.

Submissions (2):

Victorian Clinical Genetics Services, Murdoch Childrens Research Institute
Classification: Uncertain significance for Polycystic kidney disease, adult type. Last evaluated: 2025-03-21. Review status: criteria provided, single submitter. Criteria: ACMG Guidelines, 2015. Collection method: clinical testing. Allele origin: germline. Affected: yes.
Comment: This variant is classified as VUS-3A. Evidence in support of pathogenic classification: Variant is absent from gnomAD (v2, v3 and v4); Missense variant predicted to be damaging by in silico tool(s) or highly conserved with a major amino acid change. Additional information: Variant is predicted to result in a missense amino acid change from glycine to arginine; This variant is heterozygous; This gene is associated with autosomal dominant disease. Polycystic kidney disease 1 (MIM#173900) is predominantly caused by monoallelic variants, with rare reports of biallelic variants causing disease (OMIM); Alternative amino acid change(s) at the same position are present in gnomAD (highest allele count: v4: 1 heterozygote(s), 0 homozygote(s)) ; Previous evidence of pathogenicity for this variant is inconclusive. It has been classified as a variant of uncertain significance by one clinical laboratory (ClinVar); No published segregation evidence has been identified for this variant; No published functional evidence has been identified for this variant; No comparable missense variants have previous evidence for pathogenicity; Variant is located in the annotated REJ domain (DECIPHER); Loss of function is a known mechanism of disease in this gene and is associated with polycystic kidney disease 1 (MIM#173900); Inheritance information for this variant is not currently available in this individual.

Fulgent Genetics
Classification: Uncertain significance for Polycystic kidney disease, adult type. Last evaluated: 2024-04-04. Review status: criteria provided, single submitter. Criteria: ACMG Guidelines, 2015. Collection method: clinical testing. Allele origin: germline.